The following is an entry in ClinVar:

NM_003184.4(TAF2):c.2868T>C (p.Leu956=)

Gene: TAF2 (TATA-box binding protein associated factor 2; minus strand). Cytogenetic location: 8q24.12.
Variant type: single nucleotide variant.
Coding change: c.2868T>C on transcript NM_003184.4 (MANE Select); coding-DNA position 2868, T replaced by C.
Protein change: p.Leu956=; no amino-acid change (leucine 956 retained).
Molecular consequence: synonymous variant.
Genome position (GRCh38, 1-based): chr8:119,756,016, A>G on the plus strand (T>C on the coding strand, the complement: TAF2 is on the minus strand). VCF-style: chr8-119756016-A-G. GRCh37 (hg19) VCF-style: chr8-120768256-A-G.
Identifiers: ClinVar variation 712029 (VCV000712029.16), dbSNP rs141961472, ClinGen allele CA4856942.

ClinVar aggregate classification (germline): Benign/Likely benign. Review status: criteria provided, multiple submitters, no conflicts (2 of 4 stars). 2 submissions from 2 submitters: Benign (1); Likely benign (1). Last evaluated 2025-12-08.

Allele frequency attached by ClinVar (database versions not stated): gnomAD exomes 0.00017 and 0.00043; ExAC 0.00064; gnomAD 0.00186 and 0.00197; TOPMed 0.00228; ESP Exome Variant Server 0.00231; 1000 Genomes Project 0.00339; 1000 Genomes Project 30x 0.00375.
gnomAD v4.1: 550 of 1,610,630 alleles (0.034%); highest among the groups gnomAD compares: African/African-American, 0.65%; 2 homozygotes.

Submissions (2):

Labcorp Genetics (formerly Invitae), Labcorp
Classification: Benign. Last evaluated: 2025-12-08. Review status: criteria provided, single submitter. Criteria: Invitae Variant Classification Sherloc (09022015). Collection method: clinical testing. Allele origin: germline.

CeGaT Center for Human Genetics Tuebingen
Classification: Likely benign. Last evaluated: 2025-12-01. Review status: criteria provided, single submitter. Criteria: CeGaT Center For Human Genetics Tuebingen Variant Classification Criteria Version 2. Collection method: clinical testing. Allele origin: germline. Affected: yes. Observed: 2 variant alleles.
Comment: TAF2: BP4, BP7